The following is an entry in ClinVar:

ClinVar aggregate classification (germline): Pathogenic (1 of 4 stars; one submission).

Conditions:
Hereditary hemochromatosis (HFE). Identifiers: MedGen C0392514, MONDO:0006507. Disease mechanism: loss of function.

Submission:

Labcorp Genetics (formerly Invitae), Labcorp
Classification: Pathogenic for Hereditary hemochromatosis. Last evaluated: 2023-07-31. Review status: criteria provided, single submitter. Criteria: Invitae Variant Classification Sherloc (09022015). Collection method: clinical testing. Allele origin: germline.
Comment: This variant has not been reported in the literature in individuals affected with TFR2-related conditions. This variant is not present in population databases (gnomAD no frequency). This sequence change creates a premature translational stop signal (p.Phe290Serfs*79) in the TFR2 gene. It is expected to result in an absent or disrupted protein product. Loss-of-function variants in TFR2 are known to be pathogenic (PMID: 23600741, 26029709). For these reasons, this variant has been classified as Pathogenic.

Literature cited by the submitters: PubMed 23600741; PubMed 26029709.

NM_003227.4(TFR2):c.867del (p.Phe290fs)

Gene: TFR2 (transferrin receptor 2; minus strand). Cytogenetic location: 7q22.1.
Variant type: Deletion.
Coding change: c.867del on transcript NM_003227.4 (MANE Select); coding-DNA position 867, one base deleted (C; older notation c.867delC).
Protein change: p.Phe290fs; shifts the reading frame from phenylalanine 290.
Molecular consequence: frameshift variant.
Genome position (GRCh38, 1-based): chr7:100,632,181, G deleted on the plus strand (C on the coding strand, the reverse complement: TFR2 is on the minus strand). VCF-style (leftmost placement, unchanged base first): chr7-100632180-AG-A. GRCh37 (hg19) VCF-style: chr7-100229803-AG-A.
Other names: c.354del, p.Phe119fs (NM_001206855.3); short protein forms F290fs, F119fs.
Identifiers: ClinVar variation 2746810 (VCV002746810.3), dbSNP rs2486129782, ClinGen allele CA2697557465.